The following is an entry in ClinVar:

NM_018076.5(ODAD2):c.2097+1G>A

Gene: ODAD2 (outer dynein arm docking complex subunit 2; minus strand). Cytogenetic location: 10p12.1.
Variant type: single nucleotide variant.
Coding change: c.2097+1G>A on transcript NM_018076.5 (MANE Select); the canonical splice donor site of the intron after coding-DNA position 2097, G replaced by A.
Molecular consequence: splice donor variant.
Genome position (GRCh38, 1-based): chr10:27,939,896, C>T on the plus strand (G>A on the coding strand, the complement: ODAD2 is on the minus strand). VCF-style: chr10-27939896-C-T. GRCh37 (hg19) VCF-style: chr10-28228825-C-T.
Other names: c.2097+1G>A (NM_001290020.2); c.1173+1G>A (NM_001312689.2); c.672+1G>A (NM_001290021.2).
Identifiers: ClinVar variation 812721 (VCV000812721.7), dbSNP rs149368374, ClinGen allele CA376392060.

ClinVar aggregate classification (germline): Pathogenic/Likely pathogenic. Review status: criteria provided, multiple submitters, no conflicts (2 of 4 stars). 3 submissions from 3 submitters: Pathogenic (1); Likely pathogenic (1). 1 of the submissions does not count toward it. Last evaluated 2025-07-21.

Conditions:
Primary ciliary dyskinesia 23 (CILD23). Also called: CILIARY DYSKINESIA, PRIMARY, 23, WITH OR WITHOUT SITUS INVERSUS. Identifiers: Orphanet 244, MedGen C3809548, MONDO:0014193, OMIM 615451.
Male infertility. Identifiers: MedGen C0021364, MeSH D007248, MONDO:0005372, HP:0003251.
Primary ciliary dyskinesia. Also called: Ciliary dyskinesia. Identifiers: Orphanet 244, MedGen C0008780, MONDO:0016575, HP:0012265.

Submissions (3):

Ambry Genetics
Classification: Likely pathogenic for Primary ciliary dyskinesia. Last evaluated: 2025-07-21. Review status: criteria provided, single submitter. Criteria: Ambry Variant Classification Scheme 2023. Collection method: clinical testing. Allele origin: germline.
Comment: The c.2097+1G>A intronic variant results from a G to A substitution one nucleotide after coding exon 13 of the ARMC4 gene. Alterations that disrupt the canonical splice site are expected to result in aberrant splicing. In silico splice site analysis predicts that this alteration will weaken the native splice donor site. A resulting transcript is predicted to be in-frame and is not expected to trigger nonsense-mediated mRNAdecay; although, direct evidence is unavailable. This variant has been identified in the homozygous state and/or in conjunction with other ARMC4 variant(s) in individual(s) with features consistent with primary ciliary dyskinesia (external communication; Ambry internal data). This variant is considered to be rare based on population cohorts in the Genome Aggregation Database (gnomAD). This nucleotide position is highly conserved in available vertebrate species. Based on the majority of available evidence to date, this variant is likely to be pathogenic.

Labcorp Genetics (formerly Invitae), Labcorp
Classification: Pathogenic for Primary ciliary dyskinesia 23. Last evaluated: 2024-11-27. Review status: criteria provided, single submitter. Criteria: Invitae Variant Classification Sherloc (09022015). Collection method: clinical testing. Allele origin: germline.
Comment: This sequence change affects a donor splice site in intron 14 of the ARMC4 gene. It is expected to disrupt RNA splicing. Variants that disrupt the donor or acceptor splice site typically lead to a loss of protein function (PMID: 16199547), and loss-of-function variants in ARMC4 are known to be pathogenic (PMID: 23849778). This variant is not present in population databases (gnomAD no frequency). Disruption of this splice site has been observed in individual(s) with clinical features of primary ciliary dyskinesia (internal data). In at least one individual the data is consistent with being in trans (on the opposite chromosome) from a pathogenic variant. It has also been observed to segregate with disease in related individuals. ClinVar contains an entry for this variant (Variation ID: 812721). Algorithms developed to predict the effect of sequence changes on RNA splicing suggest that this variant may disrupt the consensus splice site. For these reasons, this variant has been classified as Pathogenic.

Hereditary Hearing Loss Research Unit, University of Madras
Classification: Pathogenic for Male infertility; Primary ciliary dyskinesia. Last evaluated: 2019-04-16. Review status: no assertion criteria provided. Collection method: research. Allele origin: inherited. Inheritance: Autosomal recessive inheritance. Affected: yes. Observed: 1 compound heterozygote. Not counted in ClinVar's aggregate classification.

Literature cited by the submitters: PubMed 16199547 (cited by Labcorp Genetics (formerly Invitae), Labcorp); PubMed 23849778 (cited by Labcorp Genetics (formerly Invitae), Labcorp).